The following is an entry in ClinVar:

ClinVar aggregate classification (germline): Uncertain significance. Review status: criteria provided, multiple submitters, no conflicts (2 of 4 stars). 2 submissions from 2 submitters: Uncertain significance (2). Last evaluated 2025-05-19.

Submissions (2):

Women's Health and Genetics/Laboratory Corporation of America, LabCorp
Classification: Uncertain significance. Last evaluated: 2025-05-19. Review status: criteria provided, single submitter. Criteria: LabCorp Variant Classification Summary - May 2015. Collection method: clinical testing. Allele origin: germline.
Comment: Variant summary: TNXB c.10040-12_10040-7delinsC is located at a position not widely known to affect splicing. Several computational tools predict a significant impact on normal splicing: One predict the variant abolishes a 3' acceptor site. Three predict the variant weakens a 3' acceptor site. However, these predictions have yet to be confirmed by functional studies. The variant was absent in 243360 control chromosomes (gnomAD). The available data on variant occurrences in the general population are insufficient to allow any conclusion about variant significance. To our knowledge, no occurrence of c.10040-12_10040-7delinsC in individuals affected with Ehlers-Danlos syndrome due to tenascin-X deficiency and no experimental evidence demonstrating its impact on protein function have been reported. ClinVar contains an entry for this variant (Variation ID: 2443584). Based on the evidence outlined above, the variant was classified as uncertain significance.

GeneDx
Classification: Uncertain significance. Last evaluated: 2022-09-12. Review status: criteria provided, single submitter. Criteria: GeneDx Variant Classification Process June 2021. Collection method: clinical testing. Allele origin: germline. Affected: yes.
Comment: Not observed at significant frequency in large population cohorts (gnomAD); In silico analysis supports a deleterious effect on splicing; Has not been previously published as pathogenic or benign to our knowledge

NM_001365276.2(TNXB):c.10046-12_10046-7delinsC

Gene: TNXB (tenascin XB; minus strand). Cytogenetic location: 6p21.33.
Variant type: Indel.
Coding change: c.10046-12_10046-7delinsC on transcript NM_001365276.2 (MANE Select); 12 bases into the intron before coding-DNA position 10046 through 7 bases into the intron before coding-DNA position 10046, TGTCTT replaced by C.
Molecular consequence: intron variant.
Genome position (GRCh38, 1-based): chr6:32,048,019-32,048,024, AAGACA replaced by G on the plus strand (TGTCTT replaced by C on the coding strand, the reverse complement: TNXB is on the minus strand). VCF-style: chr6-32048019-AAGACA-G. GRCh37 (hg19) VCF-style: chr6-32015796-AAGACA-G.
Other names: c.10040-12_10040-7delinsC (NM_019105.8).
Identifiers: ClinVar variation 2443584 (VCV002443584.2), dbSNP rs1554311779, ClinGen allele CA2580074291.